The following is an entry in ClinVar:

NM_133379.5(TTN):c.12484C>T (p.Gln4162Ter)

Gene: TTN (titin; minus strand). Cytogenetic location: 2q31.2.
Variant type: single nucleotide variant.
Coding change: c.12484C>T on transcript NM_133379.5; coding-DNA position 12484, C replaced by T.
Protein change: p.Gln4162Ter; replaces glutamine 4162 with a stop codon.
Molecular consequence: nonsense. On other transcripts: intron variant (6).
Genome position (GRCh38, 1-based): chr2:178,749,916, G>A on the plus strand (C>T on the coding strand, the complement: TTN is on the minus strand). VCF-style: chr2-178749916-G-A. GRCh37 (hg19) VCF-style: chr2-179614643-G-A.
Other names: c.10222+3208C>T (NM_003319.4); c.10798+3208C>T (NM_133437.4); c.10597+3208C>T (NM_133432.3); c.10360+3208C>T (NM_133378.4, NM_001256850.1); c.11311+3208C>T (NM_001267550.2); c.12484C>T (NM_133379.4); short protein forms Q4162*.
Identifiers: ClinVar variation 178896 (VCV000178896.10), dbSNP rs727504521, ClinGen allele CA183250.

ClinVar aggregate classification (germline): Uncertain significance. Review status: criteria provided, multiple submitters, no conflicts (2 of 4 stars). 3 submissions from 3 submitters: Uncertain significance (3). Last evaluated 2025-04-09.

Conditions:
Cardiovascular phenotype. Identifiers: MedGen CN230736.

Allele frequency attached by ClinVar (database versions not stated): ExAC 0.00002; gnomAD exomes 0.00001; TOPMed 0.00001.
gnomAD v4.1: 12 of 1,613,136 alleles (0.00074%); highest among the groups gnomAD compares: Non-Finnish European, 0.001%; no homozygotes.

Submissions (3):

Molecular Diagnostic Laboratory for Inherited Cardiovascular Disease, Montreal Heart Institute
Classification: Uncertain significance for Cardiovascular phenotype. Last evaluated: 2025-04-09. Review status: criteria provided, single submitter. Criteria: ACMG Guidelines, 2015. Collection method: clinical testing. Allele origin: germline. Affected: yes.

Eurofins Ntd Llc (ga)
Classification: Uncertain significance. Last evaluated: 2017-04-03. Review status: criteria provided, single submitter. Criteria: EGL Classification Definitions 2015. Collection method: clinical testing. Allele origin: germline. Observed: 1 variant allele, 1 heterozygote.

Laboratory for Molecular Medicine, Mass General Brigham Personalized Medicine
Classification: Uncertain significance. Last evaluated: 2013-04-12. Review status: criteria provided, single submitter. Criteria: LMM Criteria. Collection method: clinical testing. Allele origin: germline. Observed: 1 variant allele.
Comment: The Gln4162X variant in TTN has not been reported in individuals with cardiomyop athy or in large population studies. This nonsense variant creates a premature s top codon at position 4162. This variant is located in the last exon of an alter native transcript (Novex-3) and is expected to result in a truncated protein. A lthough truncating variants in the TTN gene are common in individuals with DCM ( Herman 2012), the function of the Novex-3 transcript is unclear. In summary, add itional information is needed to fully assess the clinical significance of this variant.